The following is an entry in ClinVar:

NM_001148.6(ANK2):c.11459G>A (p.Arg3820Gln)

Gene: ANK2 (ankyrin 2; plus strand). Cytogenetic location: 4q26.
Variant type: single nucleotide variant.
Coding change: c.11459G>A on transcript NM_001148.6 (MANE Select); coding-DNA position 11459, G replaced by A.
Protein change: p.Arg3820Gln; replaces arginine 3820 with glutamine.
Molecular consequence: missense variant.
Genome position (GRCh38, 1-based): chr4:113,369,654, G>A. VCF-style: chr4-113369654-G-A. GRCh37 (hg19) VCF-style: chr4-114290810-G-A.
Other names: c.5138G>A, p.Arg1713Gln (NM_001386161.1, NM_001354244.2, NM_001354256.2); c.5018G>A, p.Arg1673Gln (NM_001386162.1, NM_001354249.2, NM_001354266.2 and 2 more transcripts); c.7859G>A, p.Arg2620Gln (NM_001386166.1); c.1604G>A, p.Arg535Gln (NM_001386167.1); c.11600G>A, p.Arg3867Gln (NM_001386174.1); c.11576G>A, p.Arg3859Gln (NM_001386175.1); c.5189G>A, p.Arg1730Gln (NM_001386186.2, NM_001386148.2); c.5069G>A, p.Arg1690Gln (NM_001386187.2); and 36 more; short protein forms R1726Q, R3820Q, R1648Q, R1680Q, R1749Q, R1761Q, R1607Q, R1635Q.
Identifiers: ClinVar variation 377480 (VCV000377480.21), dbSNP rs138085317, ClinGen allele CA3052292.

ClinVar aggregate classification (germline): Likely benign. Review status: criteria provided, multiple submitters, no conflicts (2 of 4 stars). 8 submissions from 8 submitters: Likely benign (8). Last evaluated 2026-02-02.

Conditions:
ANK2-related disorder. Also called: ANK2-related condition.
Long QT syndrome (LQTS). Identifiers: MedGen C0023976, MeSH D008133, MONDO:0002442. Disease mechanism: loss of function. Inheritance: Various modes of inheritance.
Cardiac arrhythmia, ankyrin-B-related. Also called: ANKYRIN-B SYNDROME. Identifiers: Orphanet 101016, Orphanet 768, MedGen C1970119, MONDO:0010958, OMIM 600919.
Cardiovascular phenotype. Identifiers: MedGen CN230736.

Allele frequency attached by ClinVar (database versions not stated): gnomAD exomes 0.00009 and 0.00018; ExAC 0.00021; gnomAD 0.00058 and 0.00067; ESP Exome Variant Server 0.00077; TOPMed 0.00080.
gnomAD v4.1: 221 of 1,613,934 alleles (0.014%); highest among the groups gnomAD compares: African/African-American, 0.23%; 1 homozygote.

Submissions (8):

Labcorp Genetics (formerly Invitae), Labcorp
Classification: Likely benign for Long QT syndrome. Last evaluated: 2026-02-02. Review status: criteria provided, single submitter. Criteria: Invitae Variant Classification Sherloc (09022015). Collection method: clinical testing. Allele origin: germline.

PreventionGenetics, part of Exact Sciences
Classification: Likely benign for ANK2-related condition. Last evaluated: 2026-01-02. Review status: criteria provided, single submitter. Criteria: ACMG Guidelines, 2015. Collection method: clinical testing. Allele origin: germline.
Comment: This variant is classified as likely benign based on ACMG/AMP sequence variant interpretation guidelines (Richards et al. 2015 PMID: 25741868, with internal and published modifications).

Molecular Diagnostic Laboratory for Inherited Cardiovascular Disease, Montreal Heart Institute
Classification: Likely benign. Last evaluated: 2025-04-09. Review status: criteria provided, single submitter. Criteria: ACMG Guidelines, 2015. Collection method: clinical testing. Allele origin: germline. Affected: no.
Comment: BS1;BP4;BP6

Blueprint Genetics
Classification: Likely benign. Last evaluated: 2024-09-09. Review status: criteria provided, single submitter. Criteria: ACMG Guidelines, 2015. Collection method: clinical testing. Allele origin: germline.

Women's Health and Genetics/Laboratory Corporation of America, LabCorp
Classification: Likely benign. Last evaluated: 2023-02-13. Review status: criteria provided, single submitter. Criteria: LabCorp Variant Classification Summary - May 2015. Collection method: clinical testing. Allele origin: germline.

Fulgent Genetics
Classification: Likely benign for Cardiac arrhythmia, ankyrin-B-related. Last evaluated: 2021-08-12. Review status: criteria provided, single submitter. Criteria: ACMG Guidelines, 2015. Collection method: clinical testing. Allele origin: unknown.

GeneDx
Classification: Likely benign. Last evaluated: 2019-03-28. Review status: criteria provided, single submitter. Criteria: GeneDx Variant Classification Process June 2021. Collection method: clinical testing. Allele origin: germline. Affected: yes.
Comment: This variant is associated with the following publications: (PMID: 23631430)

Ambry Genetics
Classification: Likely benign for Cardiovascular phenotype. Last evaluated: 2019-02-21. Review status: criteria provided, single submitter. Criteria: Ambry Variant Classification Scheme 2023. Collection method: clinical testing. Allele origin: germline.

Literature cited by the submitters: PubMed 23631430 (cited by Women's Health and Genetics/Laboratory Corporation of America, LabCorp).